The following is an entry in ClinVar:

NM_000048.4(ASL):c.719-1G>A

Gene: ASL (argininosuccinate lyase; plus strand). Cytogenetic location: 7q11.21.
Variant type: single nucleotide variant.
Coding change: c.719-1G>A on transcript NM_000048.4 (MANE Select); the canonical splice acceptor site of the intron before coding-DNA position 719, G replaced by A.
Molecular consequence: splice acceptor variant.
Genome position (GRCh38, 1-based): chr7:66,088,806, G>A. VCF-style: chr7-66088806-G-A. GRCh37 (hg19) VCF-style: chr7-65553793-G-A.
Other names: c.719-1G>A (NM_001024943.2, NM_001024944.2); c.641-1G>A (NM_001024946.2).
Identifiers: ClinVar variation 1458034 (VCV001458034.6), dbSNP rs369828060, ClinGen allele CA4277117.
Genomic context (GRCh38, chr7:66,088,806, plus strand): 5'-CTGTATGGTCAGGCTGGGTGGGGATGGGAGAGGCCTGGTGACTGGGAACCTTTTCTCCCA[G>A]CCGAGTTCCTGTTCTGGGCTTCGCTGTGCATGACCCATCTCAGCAGGATGGCCGAGGACC-3'

ClinVar aggregate classification (germline): Pathogenic (1 of 4 stars; one submission).

Conditions:
Argininosuccinate lyase deficiency. Also called: ARGININOSUCCINIC ACID LYASE DEFICIENCY; ASL DEFICIENCY; Argininosuccinic aciduria. Identifiers: Orphanet 23, MedGen C0268547, MONDO:0008815, OMIM 207900, HP:0025630.

Allele frequency attached by ClinVar (database versions not stated): TOPMed below 0.00001; gnomAD 0.00001; ESP Exome Variant Server 0.00008.
gnomAD v4.1: 2 of 1,612,078 alleles (0.00012%); highest among the groups gnomAD compares: Non-Finnish European, 0.00017%; no homozygotes.

Submission:

Labcorp Genetics (formerly Invitae), Labcorp
Classification: Pathogenic for Argininosuccinate lyase deficiency. Last evaluated: 2021-07-23. Review status: criteria provided, single submitter. Criteria: Invitae Variant Classification Sherloc (09022015). Collection method: clinical testing. Allele origin: germline.
Comment: For these reasons, this variant has been classified as Pathogenic. Algorithms developed to predict the effect of sequence changes on RNA splicing suggest that this variant may disrupt the consensus splice site. Disruption of this splice site has been observed in individual(s) with argininosuccinic aciduria (PMID: 28251416). This variant is present in population databases (rs369828060, ExAC 0.002%). This sequence change affects an acceptor splice site in intron 10 of the ASL gene. It is expected to disrupt RNA splicing. Variants that disrupt the donor or acceptor splice site typically lead to a loss of protein function (PMID: 16199547), and loss-of-function variants in ASL are known to be pathogenic (PMID: 2263616, 24166829).

Literature cited by the submitters: PubMed 28251416; PubMed 16199547; PubMed 2263616; PubMed 24166829.